The following is an entry in ClinVar:

NM_175914.5(HNF4A):c.322G>A (p.Val108Ile)

Gene: HNF4A (hepatocyte nuclear factor 4 alpha; plus strand). Cytogenetic location: 20q13.12.
Variant type: single nucleotide variant.
Coding change: c.322G>A on transcript NM_175914.5 (MANE Select); coding-DNA position 322, G replaced by A.
Protein change: p.Val108Ile; replaces valine 108 with isoleucine.
Molecular consequence: missense variant.
Genome position (GRCh38, 1-based): chr20:44,413,696, G>A. VCF-style: chr20-44413696-G-A. GRCh37 (hg19) VCF-style: chr20-43042336-G-A.
Other names: NM_175914.5(HNF4A):c.322G>A; p.Val108Ile; c.388G>A, p.Val130Ile (NM_000457.6, NM_178849.3, NM_178850.3); c.322G>A, p.Val108Ile (NM_001030003.3, NM_001030004.3); c.367G>A, p.Val123Ile (NM_001258355.2); c.313G>A, p.Val105Ile (NM_001287182.2, NM_001287183.2, NM_001287184.2); short protein forms V105I, V108I, V123I, V130I.
Identifiers: ClinVar variation 994902 (VCV000994902.17), dbSNP rs377476335, ClinGen allele CA9870225.

ClinVar aggregate classification (germline): Pathogenic. Review status: reviewed by expert panel (3 of 4 stars). 9 submissions from 9 submitters: Pathogenic (1). 8 of the submissions do not count toward it. Last evaluated 2023-08-13.

Conditions:
Maturity-onset diabetes of the young type 1. Also called: MODY, type I; MILD JUVENILE DIABETES MELLITUS; HNF4A-Related Maturity-Onset Diabetes of the Young Type 1; MODY type 1; Diabetes mellitus MODY type 1; MODY HNF4A related. Identifiers: Orphanet 552, MedGen C1852093, MONDO:0007452, OMIM 125850. Disease mechanism: loss of function.
Fanconi renotubular syndrome 4 with maturity-onset diabetes of the young (FRTS4). Also called: FRTS4 WITH MODY. Identifiers: Orphanet 93111, MedGen C4014962, MONDO:0014458, OMIM 616026.
Type 2 diabetes mellitus. Also called: Type II diabetes mellitus. Identifiers: MedGen C0011860, MeSH D003924, MONDO:0005148, OMIM 125853, HP:0005978.
Monogenic diabetes. Identifiers: Orphanet 183625, MedGen C3888631, MONDO:0015967.
HNF4A-related disorders.
Maturity-onset diabetes of the young (MODY). Also called: Maturity onset diabetes mellitus in young. Identifiers: Orphanet 552, MedGen C0342276, MONDO:0018911, HP:0004904.

Allele frequency attached by ClinVar (database versions not stated): ExAC 0.00001; gnomAD 0.00001; gnomAD exomes 0.00001; ESP Exome Variant Server 0.00008.
gnomAD v4.1: 16 of 1,611,026 alleles (0.00099%); highest among the groups gnomAD compares: African/African-American, 0.0027%; no homozygotes.

Submissions (9):

ClinGen Monogenic Diabetes Variant Curation Expert Panel
Classification: Pathogenic for Monogenic diabetes. Last evaluated: 2023-08-13. Review status: reviewed by expert panel. Criteria: ClinGen Monogenic Diabetes ACMG Specifications HNF4A V1.1.0. Collection method: curation. Allele origin: germline. Inheritance: Autosomal dominant inheritance.
Comment: The c.322G>A variant in the HNF4 homeobox A gene, HNF4A, causes an amino acid change of valine to isoleucine at codon 108 (p.(Val108Ile)) of NM_175914.5. This variant is located within the DNA binding domain (codons 80-110) of HNF4A, which is defined as critical for the protein's function by the ClinGen MDEP (PM1_Supporting). This variant has an incomputable gnomAD v2.1.1 Popmax filtering allele frequency due to 1 copy in the European non-Finnish subpopulation and 1 copy in the East Asian subpopoulation, thereby meeting the ClinGen MDEP threshold criteria for PM2_Supporting (ENF Popmax FAF <= 0.000003 and <= 2 copies in ENF and <=1 copy in any other subpopulation) (PM2_Supporting). This variant is predicted to be deleterious by computational evidence, with a REVEL score of 0.804, which is greater than the MDEP VCEP threshold of 0.70 (PP3). This variant was identified in 16 unrelated individuals with non-autoimmune/insulin-dependent diabetes (PS4; PMID 12203996, PMID 12627330, PMID 28701371, internal lab contributors). This variant segregated with diabetes with 18 informative meioses in 3 families (PP1_Strong; PMID 12203996, internal lab contributors). This variant was identified in an individual with a clinical history highly specific for HNF4A-MODY (MODY probability calculator result >50% and negative genetic testing for HNF1A) (PP4; internal lab contributors). In summary, this evidence supports the classification of this variant as pathogenic for HNF4A-MODY. ACMG/AMP criteria applied, as specified by the ClinGen MDEP VCEP (specification version 1.1.0, approved 8/11/2023): PM1_Supporting, PM2_Supporting, PP3, PS4, PP1_Strong, PP4.

MVZ Medizinische Genetik Mainz
Classification: Likely pathogenic for Maturity-onset diabetes of the young type 1. Last evaluated: 2025-06-26. Review status: criteria provided, single submitter. Criteria: UK Practice Guidelines For Variant Classification V4 01 2020. Collection method: clinical testing. Allele origin: germline. Inheritance: Autosomal dominant inheritance. Observed: 1 variant allele. Not counted in ClinVar's aggregate classification.
Comment: ACMG Criteria: PS4,PP1, PM1_SUP,PM2_SUP,PP3

Molecular Genetics, Royal Melbourne Hospital
Classification: Likely pathogenic for Maturity-onset diabetes of the young. Last evaluated: 2023-03-30. Review status: criteria provided, single submitter. Criteria: ACMG Guidelines, 2015. Collection method: clinical testing. Allele origin: germline. Affected: yes. Not counted in ClinVar's aggregate classification.
Comment: This sequence change in HNF4A is predicted to replace valine with isoleucine at codon 108, p.(Val108Ile) (also known as p.Val121Ile). The valine residue is highly conserved (98/98 vertebrates, UCSC), and is located in the DNA binding domain (amino acids 37-113), which is defined as a critical functional domain (PMID:18829458). There is a small physicochemical difference between valine and isoleucine. This variant is present in two individuals from the European (non-Finnish) population and a single individual from the East Asian population in the population database gnomAD v2.1 and v3.1, which is consistent with HNF4A-related diabetes. This variant has been reported in at least eight probands with suspected maturity-onset diabetes of the young (MODY) and segregates with disease in at least two of these families (PMID: 12203996, 12627330, 16602010, 28701371, 34556497, 35089870, 36257325). Multiple lines of computational evidence have conflicting predictions for the missense substitution (4/6 algorithms predict deleterious). Based on the classification scheme RMH Modified ACMG Guidelines v1.5.1, this variant is classified as LIKELY PATHOGENIC. Following criteria are met: PP1_Strong, PS4_Moderate, PM1_Supporting, PM2_Supporting.

Geisinger Clinic, Geisinger Health System
Classification: Pathogenic for Maturity-onset diabetes of the young type 1. Last evaluated: 2022-08-02. Review status: criteria provided, single submitter. Criteria: ACMG Guidelines, 2015. Collection method: research. Allele origin: germline. Inheritance: Autosomal dominant inheritance. Affected: yes. Observed: 7 variant alleles. Not counted in ClinVar's aggregate classification.
Comment: PM1_Supporting, PM2, PP3, PS4, PP1_Strong, PP4

Fulgent Genetics
Classification: Likely pathogenic for Maturity-onset diabetes of the young type 1; Type 2 diabetes mellitus; Fanconi renotubular syndrome 4 with maturity-onset diabetes of the young. Last evaluated: 2021-08-15. Review status: criteria provided, single submitter. Criteria: ACMG Guidelines, 2015. Collection method: clinical testing. Allele origin: unknown. Not counted in ClinVar's aggregate classification.

Blueprint Genetics
Classification: Likely pathogenic for HNF4A-related disorders. Last evaluated: 2021-08-06. Review status: criteria provided, single submitter. Criteria: ACMG Guidelines, 2015. Collection method: clinical testing. Allele origin: germline. Affected: yes. Observed: 1 variant allele. Not counted in ClinVar's aggregate classification.

Athena Diagnostics
Classification: Likely pathogenic. Last evaluated: 2020-03-26. Review status: criteria provided, single submitter. Criteria: Athena Diagnostics Criteria. Collection method: clinical testing. Allele origin: unknown. Not counted in ClinVar's aggregate classification.
Comment: The frequency of this variant in the general population is consistent with pathogenicity. Conflicting predictions of the effect on the protein. Strong co-segregation with disease, and data include affected and unaffected individuals from multiple families.

Ambry Genetics
Classification: Pathogenic for Maturity-onset diabetes of the young. Last evaluated: 2016-05-04. Review status: criteria provided, single submitter. Criteria: Ambry Variant Classification Scheme 2023. Collection method: clinical testing. Allele origin: germline. Not counted in ClinVar's aggregate classification.
Comment: The p.V108I pathogenic mutation (also known as c.322G>A), located in coding exon 4 of the HNF4A gene, results from a G to A substitution at nucleotide position 322. The valine at codon 108 is replaced by isoleucine, an amino acid with highly similar properties. This mutation (referred to as p.V121I) was first reported in a large Swiss kindred in which the mutation co-segregated with disease (Monney CT, Hum. Mutat. 2002 Sep; 20(3):230-1). Additional MODY patients have been reported to be heterozygous for this mutation (Pruhova S, Diabetologia 2003 Feb; 46(2):291-5; Feigerlov&aacute; E, Eur. J. Pediatr. 2006 Jul; 165(7):446-52). Based on the supporting evidence, p.V108I is interpreted as a disease-causing mutation.

Juno Genomics, Hangzhou Juno Genomics, Inc
Classification: Pathogenic for Type 2 diabetes mellitus; Fanconi renotubular syndrome 4 with maturity-onset diabetes of the young; Maturity-onset diabetes of the young type 1. Review status: criteria provided, single submitter. Criteria: ACMG Guidelines, 2015. Collection method: clinical testing. Allele origin: germline. Not counted in ClinVar's aggregate classification.
Comment: Absent from controls (or at extremely low frequency if recessive) in Genome Aggregation Database.;Multiple lines of computational evidence support a deleterious effect on the gene or gene product.;Co-segregation with disease in multiple affected family members.;The prevalence of the variant in affected individuals is significantly increased compared to the prevalence in controls.;Patient's phenotype or family history is highly specific for a disease with a single genetic etiology.

Literature cited by the submitters: PubMed 12203996 (cited by 3 submitters); PubMed 12627330 (cited by 3 submitters); PubMed 16602010 (cited by 3 submitters); PubMed 18829458 (cited by Molecular Genetics, Royal Melbourne Hospital); PubMed 28701371 (cited by Molecular Genetics, Royal Melbourne Hospital); PubMed 34556497 (cited by Molecular Genetics, Royal Melbourne Hospital); PubMed 35089870 (cited by Molecular Genetics, Royal Melbourne Hospital); PubMed 36257325 (cited by Molecular Genetics, Royal Melbourne Hospital and Geisinger Clinic, Geisinger Health System).